The following is an entry in ClinVar:

NM_001142864.4(PIEZO1):c.6679G>A (p.Ala2227Thr)

Gene: PIEZO1 (piezo type mechanosensitive ion channel component 1 (Er blood group); minus strand). Cytogenetic location: 16q24.3.
Variant type: single nucleotide variant.
Coding change: c.6679G>A on transcript NM_001142864.4 (MANE Select); coding-DNA position 6679, G replaced by A.
Protein change: p.Ala2227Thr; replaces alanine 2227 with threonine.
Molecular consequence: missense variant.
Genome position (GRCh38, 1-based): chr16:88,716,880, C>T on the plus strand (G>A on the coding strand, the complement: PIEZO1 is on the minus strand). VCF-style: chr16-88716880-C-T. GRCh37 (hg19) VCF-style: chr16-88783288-C-T.
Other names: short protein forms A2227T.
Identifiers: ClinVar variation 930833 (VCV000930833.3), dbSNP rs776039915, ClinGen allele CA8231514.
Genomic context (GRCh38, chr16:88,716,880, plus strand): 5'-ACTGCCGGGACAGCTCCTCATAGGCCTGGGCCGTGAAGGGGATGATGGACGGCTGCTGGG[C>T]GCTCATGGTGAACAGCGGCTGGGGCAGGCACGGGGACACGGGGCCACGAAGATGAGCGTG-3'
Protein context (NP_001136336.2, residues 2217-2237): GGYEPLFTMS[Ala2227Thr]QQPSIIPFTA

ClinVar aggregate classification (germline): Benign (1 of 4 stars; one submission).

Conditions:
Dehydrated hereditary stomatocytosis with or without pseudohyperkalemia and/or perinatal edema (DHS1). Also called: Dehydrated hereditary stomatocytosis 1 with or without pseudohyperkalemia and/or perinatal edema; PSEUDOHYPERKALEMIA EDINBURGH; DEHYDRATED HEREDITARY STOMATOCYTOSIS AND PSEUDOHYPERKALEMIA; DEHYDRATED HEREDITARY STOMATOCYTOSIS WITH PSEUDOHYPERKALEMIA AND PERINATAL EDEMA; Pseudohyperkalemia, familial, 1, due to red cell leak. Identifiers: Orphanet 3202, MedGen C4551512, MONDO:0008689, OMIM 194380.

Allele frequency attached by ClinVar (database versions not stated): gnomAD exomes 0.00002 and 0.00005; TOPMed 0.00003; ExAC 0.00005.
gnomAD v4.1: 23 of 1,549,880 alleles (0.0015%); highest among the groups gnomAD compares: East Asian, 0.012%; no homozygotes.

Submission:

Centre for Mendelian Genomics, University Medical Centre Ljubljana
Classification: Benign for Dehydrated hereditary stomatocytosis with or without pseudohyperkalemia and/or perinatal edema. Last evaluated: 2018-09-25. Review status: criteria provided, single submitter. Criteria: ACMG Guidelines, 2015. Collection method: clinical testing. Allele origin: unknown. Affected: yes.
Comment: This variant was classified as: Benign. The following ACMG criteria were applied in classifying this variant: BS1,BS2.